The following is an entry in ClinVar:

ClinVar aggregate classification (germline): Uncertain significance (1 of 4 stars; one submission).

Conditions:
Neurofibromatosis, type 1 (NF1). Also called: Peripheral type neurofibromatosis; Neurofibromatosis, type I; NEUROFIBROMATOSIS, TYPE I, SOMATIC; VON RECKLINGHAUSEN DISEASE. Identifiers: Orphanet 636, MedGen C0027831, MONDO:0018975, OMIM 162200. Disease mechanism: loss of function.

Submission:

Labcorp Genetics (formerly Invitae), Labcorp
Classification: Uncertain significance for Neurofibromatosis, type 1. Last evaluated: 2021-07-21. Review status: criteria provided, single submitter. Criteria: Invitae Variant Classification Sherloc (09022015). Collection method: clinical testing. Allele origin: germline.
Comment: In summary, the available evidence is currently insufficient to determine the role of this variant in disease. Therefore, it has been classified as a Variant of Uncertain Significance. Advanced modeling of protein sequence and biophysical properties (such as structural, functional, and spatial information, amino acid conservation, physicochemical variation, residue mobility, and thermodynamic stability) performed at Invitae indicates that this missense variant is not expected to disrupt NF1 protein function. This variant has not been reported in the literature in individuals affected with NF1-related conditions. This variant is not present in population databases (ExAC no frequency). This sequence change replaces methionine with valine at codon 707 of the NF1 protein (p.Met707Val). The methionine residue is moderately conserved and there is a small physicochemical difference between methionine and valine.

NM_001042492.3(NF1):c.2119A>G (p.Met707Val)

Gene: NF1 (neurofibromin 1; plus strand). Cytogenetic location: 17q11.2.
Variant type: single nucleotide variant.
Coding change: c.2119A>G on transcript NM_001042492.3 (MANE Select); coding-DNA position 2119, A replaced by G.
Protein change: p.Met707Val; replaces methionine 707 with valine.
Molecular consequence: missense variant.
Genome position (GRCh38, 1-based): chr17:31,226,552, A>G. VCF-style: chr17-31226552-A-G. GRCh37 (hg19) VCF-style: chr17-29553570-A-G.
Other names: c.2119A>G, p.Met707Val (NM_000267.4); short protein forms M707V.
Identifiers: ClinVar variation 1368968 (VCV001368968.8), dbSNP rs2151425829, ClinGen allele CA398982294.